The following is an entry in ClinVar:

ClinVar aggregate classification (germline): Conflicting classifications of pathogenicity. Review status: criteria provided, conflicting classifications (1 of 4 stars). 2 submissions from 2 submitters: Uncertain significance (1); Likely benign (1). Last evaluated 2024-11-24.

Conditions:
Hereditary cancer-predisposing syndrome. Also called: Tumor predisposition; Hereditary Cancer Syndrome; Hereditary neoplastic syndrome; Neoplastic Syndromes, Hereditary. Identifiers: Orphanet 140162, MedGen C0027672, MeSH D009386, MONDO:0015356.
EGFR-related lung cancer (EGFR). Identifiers: MedGen CN130014.

Allele frequency attached by ClinVar (database versions not stated): gnomAD exomes below 0.00001.
gnomAD v4.1: 1 of 1,614,220 alleles (0.000062%); highest among the groups gnomAD compares: Non-Finnish European, 0.000085%; no homozygotes.

Submissions (2):

Ambry Genetics
Classification: Likely benign for Hereditary cancer-predisposing syndrome. Last evaluated: 2024-11-24. Review status: criteria provided, single submitter. Criteria: Ambry Variant Classification Scheme 2023. Collection method: clinical testing. Allele origin: germline.

Labcorp Genetics (formerly Invitae), Labcorp
Classification: Uncertain significance for EGFR-related lung cancer. Last evaluated: 2021-06-12. Review status: criteria provided, single submitter. Criteria: Invitae Variant Classification Sherloc (09022015). Collection method: clinical testing. Allele origin: germline.
Comment: In summary, the available evidence is currently insufficient to determine the role of this variant in disease. Therefore, it has been classified as a Variant of Uncertain Significance. Algorithms developed to predict the effect of sequence changes on RNA splicing suggest that this variant may create or strengthen a splice site, but this prediction has not been confirmed by published transcriptional studies. This variant has not been reported in the literature in individuals with EGFR-related conditions. This variant is not present in population databases (ExAC no frequency). This sequence change affects codon 408 of the EGFR mRNA. It is a 'silent' change, meaning that it does not change the encoded amino acid sequence of the EGFR protein.

NM_005228.5(EGFR):c.1224G>A (p.Gln408=)

Gene: EGFR (epidermal growth factor receptor; plus strand). Cytogenetic location: 7p11.2.
Variant type: single nucleotide variant.
Coding change: c.1224G>A on transcript NM_005228.5 (MANE Select); coding-DNA position 1224, G replaced by A.
Protein change: p.Gln408=; no amino-acid change (glutamine 408 retained).
Molecular consequence: synonymous variant.
Genome position (GRCh38, 1-based): chr7:55,157,679, G>A. VCF-style: chr7-55157679-G-A. GRCh37 (hg19) VCF-style: chr7-55225372-G-A.
Other names: c.1089G>A, p.Gln363= (NM_001346897.2, NM_001346899.2); c.1224G>A, p.Gln408= (NM_001346898.2, NM_201282.2, NM_201284.2); c.1065G>A, p.Gln355= (NM_001346900.2); c.423G>A, p.Gln141= (NM_001346941.2); c.1224G>A (NM_005228.3).
Identifiers: ClinVar variation 1483008 (VCV001483008.9), dbSNP rs2128939620, ClinGen allele CA454969596.
Genomic context (GRCh38, chr7:55,157,679, plus strand): 5'-ACTCCTACGTGGTGTGTGTCTGAAGTCTTTCATCTGCCTTACAGGGTTTTTGCTGATTCA[G>A]GCTTGGCCTGAAAACAGGACGGACCTCCATGCCTTTGAGAACCTAGAAATCATACGCGGC-3'
Protein context (NP_005219.2, residues 398-418): VKEITGFLLI[Gln408=]AWPENRTDLH